The following is an entry in ClinVar:

NM_020297.4(ABCC9):c.2113G>A (p.Gly705Ser)

Gene: ABCC9 (ATP binding cassette subfamily C member 9; minus strand). Cytogenetic location: 12p12.1.
Variant type: single nucleotide variant.
Coding change: c.2113G>A on transcript NM_020297.4 (MANE Select); coding-DNA position 2113, G replaced by A.
Protein change: p.Gly705Ser; replaces glycine 705 with serine.
Molecular consequence: missense variant.
Genome position (GRCh38, 1-based): chr12:21,872,710, C>T on the plus strand (G>A on the coding strand, the complement: ABCC9 is on the minus strand). VCF-style: chr12-21872710-C-T. GRCh37 (hg19) VCF-style: chr12-22025644-C-T.
Other names: c.2113G>A, p.Gly705Ser (NM_001377273.1, NM_005691.4); c.1249G>A, p.Gly417Ser (NM_001377274.1); short protein forms G417S, G705S.
Identifiers: ClinVar variation 3622448 (VCV003622448.2).

ClinVar aggregate classification (germline): Uncertain significance (1 of 4 stars; one submission).

Conditions:
Dilated cardiomyopathy 1O (CMD1O). Also called: CARDIOMYOPATHY, DILATED, WITH VENTRICULAR TACHYCARDIA. Identifiers: Orphanet 154, MedGen C1837839, MONDO:0012062, OMIM 608569.

gnomAD v4.1: 6 of 1,613,348 alleles (0.00037%); highest among the groups gnomAD compares: Non-Finnish European, 0.00051%; no homozygotes.

Submission:

Labcorp Genetics (formerly Invitae), Labcorp
Classification: Uncertain significance for Dilated cardiomyopathy 1O. Last evaluated: 2025-03-26. Review status: criteria provided, single submitter. Criteria: Invitae Variant Classification Sherloc (09022015). Collection method: clinical testing. Allele origin: germline.
Comment: This sequence change replaces glycine, which is neutral and non-polar, with serine, which is neutral and polar, at codon 705 of the ABCC9 protein (p.Gly705Ser). This variant is present in population databases (no rsID available, gnomAD 0.007%). This variant has not been reported in the literature in individuals affected with ABCC9-related conditions. Invitae Evidence Modeling of protein sequence and biophysical properties (such as structural, functional, and spatial information, amino acid conservation, physicochemical variation, residue mobility, and thermodynamic stability) indicates that this missense variant is expected to disrupt ABCC9 protein function with a positive predictive value of 80%. In summary, the available evidence is currently insufficient to determine the role of this variant in disease. Therefore, it has been classified as a Variant of Uncertain Significance.